The following is an entry in ClinVar:

NM_004279.3(PMPCB):c.1188G>T (p.Glu396Asp)

Gene: PMPCB (peptidase, mitochondrial processing subunit beta; plus strand). Cytogenetic location: 7q22.1.
Variant type: single nucleotide variant.
Coding change: c.1188G>T on transcript NM_004279.3 (MANE Select); coding-DNA position 1188, G replaced by T.
Protein change: p.Glu396Asp; replaces glutamic acid 396 with aspartic acid.
Molecular consequence: missense variant.
Genome position (GRCh38, 1-based): chr7:103,311,676, G>T. VCF-style: chr7-103311676-G-T. GRCh37 (hg19) VCF-style: chr7-102952123-G-T.
Other names: short protein forms E396D.
Identifiers: ClinVar variation 1245557 (VCV001245557.13), dbSNP rs3087615, ClinGen allele CA4418224.
Genomic context (GRCh38, chr7:103,311,676, plus strand): 5'-CTACTACTGTTTTTCCACGTTTTTTAGGATGCGACTCTGTACAAGTGTCACAGAAAGTGA[G>T]GTTGCACGAGCCAGAAATCTTCTGAAAACAAACATGTTGTTGCAGCTTGATGGTAAAAAT-3'
Protein context (NP_004270.2, residues 386-406): MRLCTSVTES[Glu396Asp]VARARNLLKT

ClinVar aggregate classification (germline): Benign. Review status: criteria provided, multiple submitters, no conflicts (2 of 4 stars). 4 submissions from 4 submitters: Benign (3). 1 of the submissions does not count toward it. Last evaluated 2026-01-27.

Conditions:
PMPCB-related disorder. Also called: PMPCB-related condition.

Allele frequency attached by ClinVar (database versions not stated): TOPMed 0.06650; 1000 Genomes Project 30x 0.07448; gnomAD 0.06524 and 0.06248; ExAC 0.09087; 1000 Genomes Project 0.07268; ESP Exome Variant Server 0.06351.
gnomAD v4.1: 137,537 of 1,613,374 alleles (8.5%); highest among the groups gnomAD compares: Admixed American, 14%; 6,527 homozygotes.

Submissions (4):

Labcorp Genetics (formerly Invitae), Labcorp
Classification: Benign. Last evaluated: 2026-01-27. Review status: criteria provided, single submitter. Criteria: Invitae Variant Classification Sherloc (09022015). Collection method: clinical testing. Allele origin: germline.

GeneDx
Classification: Benign. Last evaluated: 2021-04-19. Review status: criteria provided, single submitter. Criteria: GeneDx Variant Classification Process June 2021. Collection method: clinical testing. Allele origin: germline. Affected: yes.

Breakthrough Genomics
Classification: Benign. Review status: criteria provided, single submitter. Criteria: ACMG Guidelines, 2015. Collection method: not provided. Allele origin: germline. Inheritance: Autosomal recessive inheritance. Affected: yes.

PreventionGenetics, part of Exact Sciences
Classification: Benign for PMPCB-related condition. Last evaluated: 2019-11-11. Review status: no assertion criteria provided. Collection method: clinical testing. Allele origin: germline. Not counted in ClinVar's aggregate classification.
Comment: This variant is classified as benign based on ACMG/AMP sequence variant interpretation guidelines (Richards et al. 2015 PMID: 25741868, with internal and published modifications).